The following is an entry in ClinVar:

ClinVar aggregate classification (germline): Uncertain significance. Review status: criteria provided, multiple submitters, no conflicts (2 of 4 stars). 5 submissions from 5 submitters: Uncertain significance (5). Last evaluated 2026-08-13.

Conditions:
Acute myeloid leukemia (AML). Also called: Acute myeloid leukemia, adult; AML adult; Acute non-lymphocytic leukemia; Acute granulocytic leukemia; Leukemia, acute myeloid, somatic; Leukemia, acute myelogenous, somatic. Identifiers: Orphanet 519, MedGen C0023467, MeSH D015470, MONDO:0018874, OMIM 601626, HP:0004808. Disease mechanism: Constitutively activated FLT3.
Inborn genetic diseases. Identifiers: MedGen C0950123, MeSH D030342.
Hereditary cancer-predisposing syndrome. Also called: Tumor predisposition; Neoplastic Syndromes, Hereditary; Hereditary neoplastic syndrome; Hereditary Cancer Syndrome. Identifiers: Orphanet 140162, MedGen C0027672, MeSH D009386, MONDO:0015356.

Submissions (5):

Ambry Genetics
Classification: Uncertain significance for Inborn genetic diseases. Last evaluated: 2026-08-13. Review status: criteria provided, single submitter. Criteria: Ambry Variant Classification Scheme 2023. Collection method: clinical testing. Allele origin: germline.

Labcorp Genetics (formerly Invitae), Labcorp
Classification: Uncertain significance for Acute myeloid leukemia. Last evaluated: 2024-09-29. Review status: criteria provided, single submitter. Criteria: Invitae Variant Classification Sherloc (09022015). Collection method: clinical testing. Allele origin: germline.
Comment: This sequence change replaces methionine, which is neutral and non-polar, with leucine, which is neutral and non-polar, at codon 15 of the CEBPA protein (p.Met15Leu). This variant is not present in population databases (gnomAD no frequency). This variant has not been reported in the literature in individuals affected with CEBPA-related conditions. ClinVar contains an entry for this variant (Variation ID: 841129). Invitae Evidence Modeling of protein sequence and biophysical properties (such as structural, functional, and spatial information, amino acid conservation, physicochemical variation, residue mobility, and thermodynamic stability) indicates that this missense variant is not expected to disrupt CEBPA protein function with a negative predictive value of 80%. In summary, the available evidence is currently insufficient to determine the role of this variant in disease. Therefore, it has been classified as a Variant of Uncertain Significance.

GeneDx
Classification: Uncertain significance. Last evaluated: 2024-09-27. Review status: criteria provided, single submitter. Criteria: GeneDx Variant Classification Process June 2021. Collection method: clinical testing. Allele origin: germline. Affected: yes.
Comment: Not observed at significant frequency in large population cohorts (gnomAD); In silico analysis indicates that this missense variant does not alter protein structure/function; Has not been previously published as pathogenic or benign to our knowledge

Baylor Genetics
Classification: Uncertain significance for Acute myeloid leukemia. Last evaluated: 2024-03-21. Review status: criteria provided, single submitter. Criteria: ACMG Guidelines, 2015. Collection method: clinical testing. Allele origin: unknown.

Sema4
Classification: Uncertain significance for Hereditary cancer-predisposing syndrome. Last evaluated: 2021-09-18. Review status: criteria provided, single submitter. Criteria: Sema4 Curation Guidelines. Collection method: curation. Allele origin: germline.
Comment: The CEBPA c.43A>C (p.M15L) variant has not been reported in the literature to our knowledge. It was not observed in the large and broad cohorts of the Genome Aggregation Database. The variant has been reported in ClinVar (Variation ID 841129). Functional studies have not been performed, and in silico predictions of the variant's effect on protein function are inconclusive. The evidence is insufficient to meet ACMG/AMP criteria for classifying the variant as benign or pathogenic. Thus, the clinical significance of this variant is currently uncertain.

NM_004364.5(CEBPA):c.43A>C (p.Met15Leu)

Genes: CEBPA (CCAAT enhancer binding protein alpha; minus strand), LOC130064183 (ATAC-STARR-seq lymphoblastoid silent region 10495; plus strand). Cytogenetic location: 19q13.11.
Variant type: single nucleotide variant.
Coding change: c.43A>C on transcript NM_004364.5 (MANE Select); coding-DNA position 43, A replaced by C.
Protein change: p.Met15Leu; replaces methionine 15 with leucine.
Molecular consequence: missense variant. On other transcripts: 5 prime UTR variant (1), initiator codon variant (1).
Genome position (GRCh38, 1-based): chr19:33,302,372, T>G on the plus strand (A>C on the coding strand, the complement: CEBPA is on the minus strand). VCF-style: chr19-33302372-T-G. GRCh37 (hg19) VCF-style: chr19-33793278-T-G.
Other names: c.-315A>C (NM_001285829.2); c.148A>C, p.Met50Leu (NM_001287424.2); c.1A>C, p.Met1Leu (NM_001287435.2); short protein forms M15L, M50L, M1L.
Identifiers: ClinVar variation 841129 (VCV000841129.16), dbSNP rs1967203329, ClinGen allele CA405275803.